The following is an entry in ClinVar:

ClinVar aggregate classification (germline): Likely pathogenic (1 of 4 stars; one submission).

Submission:

GeneDx
Classification: Likely pathogenic. Last evaluated: 2024-01-12. Review status: criteria provided, single submitter. Criteria: GeneDx Variant Classification Process June 2021. Collection method: clinical testing. Allele origin: germline. Affected: yes.
Comment: Frameshift variant predicted to result in protein truncation or nonsense mediated decay in a gene for which loss of function is a known mechanism of disease; Not observed at significant frequency in large population cohorts (gnomAD); Has not been previously published as pathogenic or benign to our knowledge

NM_000969.5(RPL5):c.173_176del (p.Arg58fs)

Genes: DIPK1A (divergent protein kinase domain 1A; minus strand), RPL5 (ribosomal protein L5; plus strand). Cytogenetic location: 1p22.1.
Variant type: Deletion.
Coding change: c.173_176del on transcript NM_000969.5 (MANE Select); coding-DNA positions 173 to 176, 4 bases deleted (GAGA; older notation c.173_176delGAGA).
Protein change: p.Arg58fs; shifts the reading frame from arginine 58.
Molecular consequence: frameshift variant. On other transcripts: non-coding transcript variant (1), intron variant (1).
Genome position (GRCh38, 1-based): chr1:92,833,644-92,833,647, GAGA deleted; deleting any 4 consecutive bases within chr1:92,833,643-92,833,647 gives the same sequence; the c. name uses the placement nearest the transcript's 3' end. VCF-style (leftmost placement, unchanged base first): chr1-92833642-CAGAG-C. GRCh37 (hg19) VCF-style: chr1-93299199-CAGAG-C.
Other names: c.475-612_475-609del (NM_001252273.2); short protein forms R58fs.
Identifiers: ClinVar variation 3341036 (VCV003341036.1).